The following is an entry in ClinVar:

ClinVar aggregate classification (germline): Likely benign (0 of 4 stars; one submission).

Conditions:
PXDNL-related disorder. Also called: PXDNL-related condition.

Allele frequency attached by ClinVar (database versions not stated): ESP Exome Variant Server 0.00027; TOPMed 0.00067; gnomAD 0.00076; 1000 Genomes Project 30x 0.00078; 1000 Genomes Project 0.00080; gnomAD exomes 0.00112; ExAC 0.00177.
gnomAD v4.1: 1,645 of 1,548,946 alleles (0.11%); highest among the groups gnomAD compares: South Asian, 0.19%; 5 homozygotes.

Submission:

PreventionGenetics, part of Exact Sciences
Classification: Likely benign for PXDNL-related condition. Last evaluated: 2022-09-13. Review status: no assertion criteria provided. Collection method: clinical testing. Allele origin: germline.
Comment: This variant is classified as likely benign based on ACMG/AMP sequence variant interpretation guidelines (Richards et al. 2015 PMID: 25741868, with internal and published modifications).

NM_144651.5(PXDNL):c.281T>C (p.Phe94Ser)

Gene: PXDNL (peroxidasin like; minus strand). Cytogenetic location: 8q11.22.
Variant type: single nucleotide variant.
Coding change: c.281T>C on transcript NM_144651.5 (MANE Select); coding-DNA position 281, T replaced by C.
Protein change: p.Phe94Ser; replaces phenylalanine 94 with serine.
Molecular consequence: missense variant.
Genome position (GRCh38, 1-based): chr8:51,592,654, A>G on the plus strand (T>C on the coding strand, the complement: PXDNL is on the minus strand). VCF-style: chr8-51592654-A-G. GRCh37 (hg19) VCF-style: chr8-52505214-A-G.
Other names: short protein forms F94S.
Identifiers: ClinVar variation 3040655 (VCV003040655.2), dbSNP rs180899408, ClinGen allele CA4745706.
Genomic context (GRCh38, chr8:51,592,654, plus strand): 5'-CATAAGGCATTGTTGTTTTTTCTTATAACTTACAGATATAGCAAATTTTCAAGTCCTTCA[A>G]AAGCATTTCTGGAAATCTTTCTGATGTGGTTGTTGTTCAGCAGACTGAAAAAGCAAAAAC-3'
Protein context (NP_653252.4, residues 84-104): NHIRKISRNA[Phe94Ser]EGLENLLYLY